The following is an entry in ClinVar:

NM_014141.6(CNTNAP2):c.1406T>C (p.Phe469Ser)

Gene: CNTNAP2 (contactin associated protein 2; plus strand). Cytogenetic location: 7q35.
Variant type: single nucleotide variant.
Coding change: c.1406T>C on transcript NM_014141.6 (MANE Select); coding-DNA position 1406, T replaced by C.
Protein change: p.Phe469Ser; replaces phenylalanine 469 with serine.
Molecular consequence: missense variant.
Genome position (GRCh38, 1-based): chr7:147,300,198, T>C. VCF-style: chr7-147300198-T-C. GRCh37 (hg19) VCF-style: chr7-146997290-T-C.
Other names: short protein forms F469S.
Identifiers: ClinVar variation 432449 (VCV000432449.33), dbSNP rs568653133, ClinGen allele CA168711486.
Genomic context (GRCh38, chr7:147,300,198, plus strand): 5'-CAGGTTCTGGGTTGAATGATGGACAGTGGCACGAGGTTCGCTTCCTAGCCAAGGAAAATT[T>C]TGCTATTCTCACCATCGATGGAGATGAAGCATCAGCAGTTCGAACTAATAGTCCCCTTCA-3'
Protein context (NP_054860.1, residues 459-479): HEVRFLAKEN[Phe469Ser]AILTIDGDEA

ClinVar aggregate classification (germline): Uncertain significance. Review status: criteria provided, multiple submitters, no conflicts (2 of 4 stars). 3 submissions from 3 submitters: Uncertain significance (3). Last evaluated 2023-10-01.

Conditions:
Cortical dysplasia-focal epilepsy syndrome (PTHSL1). Also called: Pitt-Hopkins-like syndrome 1. Identifiers: Orphanet 163681, Orphanet 221150, MedGen C2750246, MONDO:0012400, OMIM 610042.

Allele frequency attached by ClinVar (database versions not stated): TOPMed below 0.00001; gnomAD 0.00001; gnomAD exomes 0.00001 and 0.00004.
gnomAD v4.1: 54 of 1,613,934 alleles (0.0033%); highest among the groups gnomAD compares: Non-Finnish European, 0.0044%; no homozygotes.

Submissions (3):

CeGaT Center for Human Genetics Tuebingen
Classification: Uncertain significance. Last evaluated: 2023-10-01. Review status: criteria provided, single submitter. Criteria: CeGaT Center For Human Genetics Tuebingen Variant Classification Criteria Version 2. Collection method: clinical testing. Allele origin: germline. Affected: yes. Observed: 1 variant allele.
Comment: CNTNAP2: PM2:Supporting

GeneDx
Classification: Uncertain significance. Last evaluated: 2023-08-14. Review status: criteria provided, single submitter. Criteria: GeneDx Variant Classification Process June 2021. Collection method: clinical testing. Allele origin: germline. Affected: yes.
Comment: Not observed at significant frequency in large population cohorts (gnomAD); In silico analysis supports that this missense variant does not alter protein structure/function; This variant is associated with the following publications: (PMID: 24807205)

Labcorp Genetics (formerly Invitae), Labcorp
Classification: Uncertain significance for Cortical dysplasia-focal epilepsy syndrome. Last evaluated: 2021-09-01. Review status: criteria provided, single submitter. Criteria: Invitae Variant Classification Sherloc (09022015). Collection method: clinical testing. Allele origin: germline.
Comment: This sequence change replaces phenylalanine with serine at codon 469 of the CNTNAP2 protein (p.Phe469Ser). The phenylalanine residue is moderately conserved and there is a large physicochemical difference between phenylalanine and serine. This variant is not present in population databases (ExAC no frequency). This missense change has been observed in individual(s) with developmental stuttering (PMID: 24807205). ClinVar contains an entry for this variant (Variation ID: 432449). Algorithms developed to predict the effect of missense changes on protein structure and function (SIFT, PolyPhen-2, Align-GVGD) all suggest that this variant is likely to be tolerated. In summary, the available evidence is currently insufficient to determine the role of this variant in disease. Therefore, it has been classified as a Variant of Uncertain Significance.

Literature cited by the submitters: PubMed 24807205 (cited by Labcorp Genetics (formerly Invitae), Labcorp).